The following is an entry in ClinVar:

NM_170707.4(LMNA):c.655A>T (p.Lys219Ter)

Gene: LMNA (lamin A/C; plus strand). Cytogenetic location: 1q22.
Variant type: single nucleotide variant.
Coding change: c.655A>T on transcript NM_170707.4 (MANE Select); coding-DNA position 655, A replaced by T.
Protein change: p.Lys219Ter; replaces lysine 219 with a stop codon.
Molecular consequence: nonsense.
Genome position (GRCh38, 1-based): chr1:156,134,820, A>T. VCF-style: chr1-156134820-A-T. GRCh37 (hg19) VCF-style: chr1-156104611-A-T.
Other names: c.319A>T, p.Lys107Ter (NM_001257374.3, NM_001406989.1, NM_001406998.1); c.412A>T, p.Lys138Ter (NM_001282624.2, NM_001406986.1, NM_001406987.1); c.655A>T, p.Lys219Ter (NM_001282625.2, NM_001282626.2, NM_001406983.1 and 6 more transcripts); c.358A>T, p.Lys120Ter (NM_001406988.1); c.97A>T, p.Lys33Ter (NM_001406990.1, NM_001406993.1, NM_001406995.1 and 4 more transcripts); c.-10A>T (NM_001406994.1, NM_001406999.1, NM_001407000.1 and 1 more transcripts); short protein forms K138*, K219*, K33*, K107*, K120*.
Identifiers: ClinVar variation 2017777 (VCV002017777.4), dbSNP rs778798942, ClinGen allele CA342817142.

ClinVar aggregate classification (germline): Pathogenic (1 of 4 stars; one submission).

Conditions:
Charcot-Marie-Tooth disease type 2. Also called: Charcot-Marie-Tooth type 2. Identifiers: Orphanet 64746, MedGen C0270914, MONDO:0018993.

Submission:

Labcorp Genetics (formerly Invitae), Labcorp
Classification: Pathogenic for Charcot-Marie-Tooth disease type 2. Last evaluated: 2022-07-17. Review status: criteria provided, single submitter. Criteria: Invitae Variant Classification Sherloc (09022015). Collection method: clinical testing. Allele origin: germline.
Comment: This sequence change creates a premature translational stop signal (p.Lys219*) in the LMNA gene. It is expected to result in an absent or disrupted protein product. Loss-of-function variants in LMNA are known to be pathogenic (PMID: 18585512, 18926329). This variant is not present in population databases (gnomAD no frequency). This variant has not been reported in the literature in individuals affected with LMNA-related conditions. For these reasons, this variant has been classified as Pathogenic.

Literature cited by the submitters: PubMed 18585512; PubMed 18926329.